The following is an entry in ClinVar:

ClinVar aggregate classification (germline): Uncertain significance. Review status: criteria provided, multiple submitters, no conflicts (2 of 4 stars). 2 submissions from 2 submitters: Uncertain significance (2). Last evaluated 2024-07-29.

Conditions:
Hereditary cancer-predisposing syndrome. Also called: Neoplastic Syndromes, Hereditary; Tumor predisposition; Hereditary Cancer Syndrome; Hereditary neoplastic syndrome. Identifiers: Orphanet 140162, MedGen C0027672, MeSH D009386, MONDO:0015356.
Parathyroid carcinoma (PRTC). Also called: CDC73-Related Parathyroid Carcinoma; Parathyroid gland carcinoma. Identifiers: Orphanet 143, MedGen C0687150, MONDO:0012004, OMIM 608266, HP:0006780.

Submissions (2):

Ambry Genetics
Classification: Uncertain significance for Hereditary cancer-predisposing syndrome. Last evaluated: 2024-07-29. Review status: criteria provided, single submitter. Criteria: Ambry Variant Classification Scheme 2023. Collection method: clinical testing. Allele origin: germline.
Comment: The p.R441G variant (also known as c.1321C>G), located in coding exon 15 of the CDC73 gene, results from a C to G substitution at nucleotide position 1321. The arginine at codon 441 is replaced by glycine, an amino acid with dissimilar properties. This amino acid position is conserved. In addition, this alteration is predicted to be deleterious by in silico analysis. Based on the available evidence, the clinical significance of this variant remains unclear.

Labcorp Genetics (formerly Invitae), Labcorp
Classification: Uncertain significance for Parathyroid carcinoma. Last evaluated: 2023-03-22. Review status: criteria provided, single submitter. Criteria: Invitae Variant Classification Sherloc (09022015). Collection method: clinical testing. Allele origin: germline.
Comment: This sequence change replaces arginine, which is basic and polar, with glycine, which is neutral and non-polar, at codon 441 of the CDC73 protein (p.Arg441Gly). This variant is not present in population databases (gnomAD no frequency). This variant has not been reported in the literature in individuals affected with CDC73-related conditions. ClinVar contains an entry for this variant (Variation ID: 2112055). Advanced modeling of protein sequence and biophysical properties (such as structural, functional, and spatial information, amino acid conservation, physicochemical variation, residue mobility, and thermodynamic stability) performed at Invitae indicates that this missense variant is expected to disrupt CDC73 protein function. In summary, the available evidence is currently insufficient to determine the role of this variant in disease. Therefore, it has been classified as a Variant of Uncertain Significance.

NM_024529.5(CDC73):c.1321C>G (p.Arg441Gly)

Gene: CDC73 (cell division cycle 73; plus strand). Cytogenetic location: 1q31.2.
Variant type: single nucleotide variant.
Coding change: c.1321C>G on transcript NM_024529.5 (MANE Select); coding-DNA position 1321, C replaced by G.
Protein change: p.Arg441Gly; replaces arginine 441 with glycine.
Molecular consequence: missense variant.
Genome position (GRCh38, 1-based): chr1:193,236,260, C>G. VCF-style: chr1-193236260-C-G. GRCh37 (hg19) VCF-style: chr1-193205390-C-G.
Other names: short protein forms R441G.
Identifiers: ClinVar variation 2112055 (VCV002112055.5), dbSNP rs754454928, ClinGen allele CA344078102.